The following is an entry in ClinVar:

NM_170707.4(LMNA):c.902G>A (p.Ser301Asn)

Gene: LMNA (lamin A/C; plus strand). Cytogenetic location: 1q22.
Variant type: single nucleotide variant.
Coding change: c.902G>A on transcript NM_170707.4 (MANE Select); coding-DNA position 902, G replaced by A.
Protein change: p.Ser301Asn; replaces serine 301 with asparagine.
Molecular consequence: missense variant.
Genome position (GRCh38, 1-based): chr1:156,135,278, G>A. VCF-style: chr1-156135278-G-A. GRCh37 (hg19) VCF-style: chr1-156105069-G-A.
Other names: c.566G>A, p.Ser189Asn (NM_001257374.3); c.659G>A, p.Ser220Asn (NM_001282624.2); c.902G>A, p.Ser301Asn (NM_001282625.2, NM_001282626.2, NM_005572.4 and 1 more transcripts); short protein forms S189N, S301N, S220N.
Identifiers: ClinVar variation 1422332 (VCV001422332.6), dbSNP rs546272425, ClinGen allele CA342817833.

ClinVar aggregate classification (germline): Uncertain significance (1 of 4 stars; one submission).

Conditions:
Charcot-Marie-Tooth disease type 2. Also called: Charcot-Marie-Tooth type 2. Identifiers: Orphanet 64746, MedGen C0270914, MONDO:0018993.

Allele frequency attached by ClinVar (database versions not stated): gnomAD exomes below 0.00001.
gnomAD v4.1: 3 of 1,613,440 alleles (0.00019%); highest among the groups gnomAD compares: Non-Finnish European, 0.00025%; no homozygotes.

Submission:

Labcorp Genetics (formerly Invitae), Labcorp
Classification: Uncertain significance for Charcot-Marie-Tooth disease type 2. Last evaluated: 2024-11-11. Review status: criteria provided, single submitter. Criteria: Invitae Variant Classification Sherloc (09022015). Collection method: clinical testing. Allele origin: germline.
Comment: This sequence change replaces serine, which is neutral and polar, with asparagine, which is neutral and polar, at codon 301 of the LMNA protein (p.Ser301Asn). This variant is present in population databases (no rsID available, gnomAD 0.0009%). This variant has not been reported in the literature in individuals affected with LMNA-related conditions. ClinVar contains an entry for this variant (Variation ID: 1422332). Invitae Evidence Modeling of protein sequence and biophysical properties (such as structural, functional, and spatial information, amino acid conservation, physicochemical variation, residue mobility, and thermodynamic stability) indicates that this missense variant is expected to disrupt LMNA protein function with a positive predictive value of 95%. In summary, the available evidence is currently insufficient to determine the role of this variant in disease. Therefore, it has been classified as a Variant of Uncertain Significance.